The following is an entry in ClinVar:

NM_007194.4(CHEK2):c.1227C>A (p.Asp409Glu)

Gene: CHEK2 (checkpoint kinase 2; minus strand). Cytogenetic location: 22q12.1.
Variant type: single nucleotide variant.
Coding change: c.1227C>A on transcript NM_007194.4 (MANE Select); coding-DNA position 1227, C replaced by A.
Protein change: p.Asp409Glu; replaces aspartic acid 409 with glutamic acid.
Molecular consequence: missense variant.
Genome position (GRCh38, 1-based): chr22:28,695,742, G>T on the plus strand (C>A on the coding strand, the complement: CHEK2 is on the minus strand). VCF-style: chr22-28695742-G-T. GRCh37 (hg19) VCF-style: chr22-29091730-G-T.
Other names: c.1356C>A, p.Asp452Glu (NM_001005735.3); c.564C>A, p.Asp188Glu (NM_001257387.3); c.1026C>A, p.Asp342Glu (NM_001349956.3); c.1140C>A, p.Asp380Glu (NM_145862.3); short protein forms D188E, D452E, D380E, D342E, D409E.
Identifiers: ClinVar variation 2452072 (VCV002452072.5), dbSNP rs2145802224, ClinGen allele CA411096665.

ClinVar aggregate classification (germline): Uncertain significance. Review status: criteria provided, multiple submitters, no conflicts (2 of 4 stars). 2 submissions from 2 submitters: Uncertain significance (2). Last evaluated 2023-03-18.

Conditions:
Familial cancer of breast. Also called: BREAST CANCER, FAMILIAL; Hereditary breast cancer; hereditary breast carcinoma. Identifiers: Orphanet 227535, MedGen C0346153, MONDO:0016419, OMIM 114480. Disease mechanism: loss of function.
Hereditary cancer-predisposing syndrome. Also called: Neoplastic Syndromes, Hereditary; Tumor predisposition; Hereditary neoplastic syndrome; Hereditary Cancer Syndrome. Identifiers: Orphanet 140162, MedGen C0027672, MeSH D009386, MONDO:0015356.

Submissions (2):

Labcorp Genetics (formerly Invitae), Labcorp
Classification: Uncertain significance for Familial cancer of breast. Last evaluated: 2023-03-18. Review status: criteria provided, single submitter. Criteria: Invitae Variant Classification Sherloc (09022015). Collection method: clinical testing. Allele origin: germline.
Comment: In summary, the available evidence is currently insufficient to determine the role of this variant in disease. Therefore, it has been classified as a Variant of Uncertain Significance. An algorithm developed to predict the effect of missense changes on protein structure and function (PolyPhen-2) suggests that this variant is likely to be disruptive. This variant has not been reported in the literature in individuals affected with CHEK2-related conditions. This variant is not present in population databases (gnomAD no frequency). This sequence change replaces aspartic acid, which is acidic and polar, with glutamic acid, which is acidic and polar, at codon 409 of the CHEK2 protein (p.Asp409Glu).

Ambry Genetics
Classification: Uncertain significance for Hereditary cancer-predisposing syndrome. Last evaluated: 2022-11-30. Review status: criteria provided, single submitter. Criteria: Ambry Variant Classification Scheme 2023. Collection method: clinical testing. Allele origin: germline.
Comment: The p.D409E variant (also known as c.1227C>A), located in coding exon 10 of the CHEK2 gene, results from a C to A substitution at nucleotide position 1227. The aspartic acid at codon 409 is replaced by glutamic acid, an amino acid with highly similar properties. This amino acid position is highly conserved in available vertebrate species. In addition, this alteration is predicted to be deleterious by in silico analysis. Since supporting evidence is limited at this time, the clinical significance of this alteration remains unclear.